The following is an entry in ClinVar:

NM_001267550.2(TTN):c.103451C>G (p.Ala34484Gly)

Genes: TTN-AS1 (TTN antisense RNA 1; plus strand), TTN (titin; minus strand). Cytogenetic location: 2q31.2.
Variant type: single nucleotide variant.
Coding change: c.103451C>G on transcript NM_001267550.2 (MANE Select); coding-DNA position 103451, C replaced by G.
Protein change: p.Ala34484Gly; replaces alanine 34484 with glycine.
Molecular consequence: missense variant.
Genome position (GRCh38, 1-based): chr2:178,533,164, G>C on the plus strand (C>G on the coding strand, the complement: TTN is on the minus strand). VCF-style: chr2-178533164-G-C. GRCh37 (hg19) VCF-style: chr2-179397891-G-C.
Other names: c.98528C>G, p.Ala32843Gly (NM_001256850.1); c.76256C>G, p.Ala25419Gly (NM_003319.4); c.95747C>G, p.Ala31916Gly (NM_133378.4); c.76631C>G, p.Ala25544Gly (NM_133432.3); c.76832C>G, p.Ala25611Gly (NM_133437.4); short protein forms A25419G, A25544G, A31916G, A32843G, A25611G, A34484G.
Identifiers: ClinVar variation 4785519 (VCV004785519.1).

ClinVar aggregate classification (germline): Uncertain significance (1 of 4 stars; one submission).

Conditions:
Autosomal recessive limb-girdle muscular dystrophy type 2J (LGMDR10). Also called: Limb-girdle muscular dystrophy, type 2J; MUSCULAR DYSTROPHY, LIMB-GIRDLE, AUTOSOMAL RECESSIVE 10. Identifiers: Orphanet 140922, MedGen C1837342, MONDO:0012127, OMIM 608807.
Dilated cardiomyopathy 1G (CMD1G). Identifiers: Orphanet 154, MedGen C1858763, MONDO:0011400, OMIM 604145.

gnomAD v4.1: 1 of 1,613,960 alleles (0.000062%); highest among the groups gnomAD compares: Admixed American, 0.0017%; no homozygotes.

Submission:

Labcorp Genetics (formerly Invitae), Labcorp
Classification: Uncertain significance for Dilated cardiomyopathy 1G; Autosomal recessive limb-girdle muscular dystrophy type 2J. Last evaluated: 2025-07-09. Review status: criteria provided, single submitter. Criteria: Invitae Variant Classification Sherloc (09022015). Collection method: clinical testing. Allele origin: germline.
Comment: This sequence change replaces alanine, which is neutral and non-polar, with glycine, which is neutral and non-polar, at codon 34484 of the TTN protein (p.Ala34484Gly). This variant is present in population databases (no rsID available, gnomAD 0.003%). This variant has not been reported in the literature in individuals affected with TTN-related conditions. Experimental studies and prediction algorithms are not available or were not evaluated, and the functional significance of this variant is currently unknown. This variant is located in the M band of TTN (PMID: 25589632). Non-truncating variants in this region may be relevant for neuromuscular disorders, but have not been definitively shown to cause cardiomyopathy (PMID: 23975875). In summary, the available evidence is currently insufficient to determine the role of this variant in disease. Therefore, it has been classified as a Variant of Uncertain Significance.

Literature cited by the submitters: PubMed 25589632; PubMed 23975875.